The following is an entry in ClinVar:

ClinVar aggregate classification (germline): Benign. Review status: criteria provided, multiple submitters, no conflicts (2 of 4 stars). 4 submissions from 4 submitters: Benign (3). 1 of the submissions does not count toward it. Last evaluated 2025-12-02.

Conditions:
MAPKBP1-related disorder. Also called: MAPKBP1-related condition.
Nephronophthisis 20 (NPHP20). Identifiers: MedGen C4310640, MONDO:0014997, OMIM 617271.

Allele frequency attached by ClinVar (database versions not stated): ESP Exome Variant Server 0.00008; gnomAD exomes 0.00064 and 0.00167; gnomAD 0.00065 and 0.00082; TOPMed 0.00100; ExAC 0.00180; 1000 Genomes Project 30x 0.00312; 1000 Genomes Project 0.00319.
gnomAD v4.1: 1,093 of 1,614,124 alleles (0.068%); highest among the groups gnomAD compares: East Asian, 2.2%; 16 homozygotes.

Submissions (4):

Labcorp Genetics (formerly Invitae), Labcorp
Classification: Benign. Last evaluated: 2025-12-02. Review status: criteria provided, single submitter. Criteria: Invitae Variant Classification Sherloc (09022015). Collection method: clinical testing. Allele origin: germline.

Mayo Clinic Laboratories, Mayo Clinic
Classification: Benign. Last evaluated: 2025-07-16. Review status: criteria provided, single submitter. Criteria: ACMG Guidelines, 2015. Collection method: clinical testing. Allele origin: germline. Observed: 1 variant allele.
Comment: BA1, BP4_moderate

Fulgent Genetics
Classification: Benign for Nephronophthisis 20. Last evaluated: 2021-10-07. Review status: criteria provided, single submitter. Criteria: ACMG Guidelines, 2015. Collection method: clinical testing. Allele origin: unknown.

PreventionGenetics, part of Exact Sciences
Classification: Benign for MAPKBP1-related condition. Last evaluated: 2019-03-20. Review status: no assertion criteria provided. Collection method: clinical testing. Allele origin: germline. Not counted in ClinVar's aggregate classification.
Comment: This variant is classified as benign based on ACMG/AMP sequence variant interpretation guidelines (Richards et al. 2015 PMID: 25741868, with internal and published modifications).

NM_014994.3(MAPKBP1):c.4030G>T (p.Gly1344Cys)

Gene: MAPKBP1 (mitogen-activated protein kinase binding protein 1; plus strand). Cytogenetic location: 15q15.1.
Variant type: single nucleotide variant.
Coding change: c.4030G>T on transcript NM_014994.3 (MANE Select); coding-DNA position 4030, G replaced by T.
Protein change: p.Gly1344Cys; replaces glycine 1344 with cysteine.
Molecular consequence: missense variant. On other transcripts: non-coding transcript variant (2), intron variant (1).
Genome position (GRCh38, 1-based): chr15:41,823,878, G>T. VCF-style: chr15-41823878-G-T. GRCh37 (hg19) VCF-style: chr15-42116076-G-T.
Other names: p.Gly1350Cys; c.4048G>T, p.Gly1350Cys (NM_001128608.2); c.3383-606G>T (NM_001265611.2); short protein forms G1350C, G1344C.
Identifiers: ClinVar variation 728235 (VCV000728235.14), dbSNP rs75437827, ClinGen allele CA7498716.